The following is an entry in ClinVar:

ClinVar aggregate classification (germline): Likely benign. Review status: criteria provided, multiple submitters, no conflicts (2 of 4 stars). 2 submissions from 2 submitters: Likely benign (2). Last evaluated 2026-06-15.

Conditions:
Gastrointestinal stromal tumor. Also called: Gastrointestinal stroma tumor; Gastrointestinal stromal tumor, somatic. Identifiers: Orphanet 44890, MedGen C0238198, MeSH D046152, MONDO:0011719, OMIM 606764, HP:0100723.
Polyps, multiple and recurrent inflammatory fibroid, gastrointestinal. Identifiers: MedGen C5193005, MONDO:0008285, OMIM 175510.

Allele frequency attached by ClinVar (database versions not stated): gnomAD exomes below 0.00001; gnomAD 0.00001.
gnomAD v4.1: 3 of 1,613,058 alleles (0.00019%); highest among the groups gnomAD compares: African/African-American, 0.0027%; no homozygotes.

Submissions (2):

Myriad Genetics, Inc.
Classification: Likely benign for Polyps, multiple and recurrent inflammatory fibroid, gastrointestinal. Last evaluated: 2026-06-15. Review status: criteria provided, single submitter. Criteria: Myriad Autosomal Dominant, Autosomal Recessive and X-Linked Classification Criteria (2023). Collection method: clinical testing. Allele origin: unknown.
Comment: This variant is considered likely benign. This variant is intronic and is not expected to impact mRNA splicing.

Labcorp Genetics (formerly Invitae), Labcorp
Classification: Likely benign for Gastrointestinal stromal tumor. Last evaluated: 2025-12-13. Review status: criteria provided, single submitter. Criteria: Invitae Variant Classification Sherloc (09022015). Collection method: clinical testing. Allele origin: germline.

NM_006206.6(PDGFRA):c.1365-6C>T

Gene: PDGFRA (platelet derived growth factor receptor alpha; plus strand). Cytogenetic location: 4q12.
Variant type: single nucleotide variant.
Coding change: c.1365-6C>T on transcript NM_006206.6 (MANE Select); 6 bases into the intron before coding-DNA position 1365, C replaced by T.
Molecular consequence: intron variant.
Genome position (GRCh38, 1-based): chr4:54,273,531, C>T. VCF-style: chr4-54273531-C-T. GRCh37 (hg19) VCF-style: chr4-55139698-C-T.
Other names: c.1440-6C>T (NM_001347828.2); c.1365-6C>T (NM_001347827.2, NM_001347829.2); c.1404-6C>T (NM_001347830.2).
Identifiers: ClinVar variation 1104238 (VCV001104238.18), dbSNP rs1723521425, ClinGen allele CA1062643480.